The following is an entry in ClinVar:

NM_033004.4(NLRP1):c.2358-2A>C

Gene: NLRP1 (NLR family pyrin domain containing 1; minus strand). Cytogenetic location: 17p13.2.
Variant type: single nucleotide variant.
Coding change: c.2358-2A>C on transcript NM_033004.4 (MANE Select); the canonical splice acceptor site of the intron before coding-DNA position 2358, A replaced by C.
Molecular consequence: splice acceptor variant.
Genome position (GRCh38, 1-based): chr17:5,553,558, T>G on the plus strand (A>C on the coding strand, the complement: NLRP1 is on the minus strand). VCF-style: chr17-5553558-T-G. GRCh37 (hg19) VCF-style: chr17-5456878-T-G.
Other names: c.2358-2A>C (NM_033006.4, NM_014922.5, NM_001033053.3 and 1 more transcripts).
Identifiers: ClinVar variation 2781117 (VCV002781117.3), dbSNP rs751181903, ClinGen allele CA8327177.

ClinVar aggregate classification (germline): Uncertain significance (1 of 4 stars; one submission).

Allele frequency attached by ClinVar (database versions not stated): gnomAD exomes below 0.00001; ExAC 0.00002.
gnomAD v4.1: 1 of 1,613,168 alleles (0.000062%); highest among the groups gnomAD compares: Non-Finnish European, 0.000085%; no homozygotes.

Submission:

Labcorp Genetics (formerly Invitae), Labcorp
Classification: Uncertain significance. Last evaluated: 2024-01-16. Review status: criteria provided, single submitter. Criteria: Invitae Variant Classification Sherloc (09022015). Collection method: clinical testing. Allele origin: germline.
Comment: This sequence change affects an acceptor splice site in intron 4 of the NLRP1 gene. It is expected to disrupt RNA splicing. Variants that disrupt the donor or acceptor splice site typically lead to a loss of protein function (PMID: 16199547), however the current clinical and genetic evidence is not sufficient to establish whether loss-of-function variants in NLRP1 cause disease. This variant is present in population databases (rs751181903, gnomAD 0.002%). This variant has not been reported in the literature in individuals affected with NLRP1-related conditions. Algorithms developed to predict the effect of sequence changes on RNA splicing suggest that this variant may disrupt the consensus splice site. In summary, the available evidence is currently insufficient to determine the role of this variant in disease. Therefore, it has been classified as a Variant of Uncertain Significance.

Literature cited by the submitters: PubMed 16199547.